The following is an entry in ClinVar:

ClinVar aggregate classification (germline): Uncertain significance (1 of 4 stars; one submission).

Submission:

Labcorp Genetics (formerly Invitae), Labcorp
Classification: Uncertain significance. Last evaluated: 2025-08-06. Review status: criteria provided, single submitter. Criteria: Invitae Variant Classification Sherloc (09022015). Collection method: clinical testing. Allele origin: germline.
Comment: This sequence change affects an acceptor splice site in intron 10 of the RECQL gene. It is expected to disrupt RNA splicing. Variants that disrupt the donor or acceptor splice site typically lead to a loss of protein function (PMID: 16199547), however the current clinical and genetic evidence is not sufficient to establish whether loss-of-function variants in RECQL cause disease. This variant is not present in population databases (gnomAD no frequency). This variant has not been reported in the literature in individuals affected with RECQL-related conditions. ClinVar contains an entry for this variant (Variation ID: 2094508). Algorithms developed to predict the effect of sequence changes on RNA splicing suggest that this variant may disrupt the consensus splice site. In summary, the available evidence is currently insufficient to determine the role of this variant in disease. Therefore, it has been classified as a Variant of Uncertain Significance.

Literature cited by the submitters: PubMed 16199547.

NM_002907.4(RECQL):c.1217-2A>C

Gene: RECQL (RecQ like helicase; minus strand). Cytogenetic location: 12p12.1.
Variant type: single nucleotide variant.
Coding change: c.1217-2A>C on transcript NM_002907.4 (MANE Select); the canonical splice acceptor site of the intron before coding-DNA position 1217, A replaced by C.
Molecular consequence: splice acceptor variant.
Genome position (GRCh38, 1-based): chr12:21,474,981, T>G on the plus strand (A>C on the coding strand, the complement: RECQL is on the minus strand). VCF-style: chr12-21474981-T-G. GRCh37 (hg19) VCF-style: chr12-21627915-T-G.
Other names: c.1217-2A>C (NM_032941.3).
Identifiers: ClinVar variation 2094508 (VCV002094508.4), dbSNP rs1290179851, ClinGen allele CA384119047.